The following is an entry in ClinVar:

NM_020822.3(KCNT1):c.1210G>A (p.Val404Met)

Gene: KCNT1 (potassium sodium-activated channel subfamily T member 1; plus strand). Cytogenetic location: 9q34.3.
Variant type: single nucleotide variant.
Coding change: c.1210G>A on transcript NM_020822.3 (MANE Select); coding-DNA position 1210, G replaced by A.
Protein change: p.Val404Met; replaces valine 404 with methionine.
Molecular consequence: missense variant.
Genome position (GRCh38, 1-based): chr9:135,765,633, G>A. VCF-style: chr9-135765633-G-A. GRCh37 (hg19) VCF-style: chr9-138657479-G-A.
Other names: c.1075G>A, p.Val359Met (NM_001272003.2); short protein forms V404M, V359M.
Identifiers: ClinVar variation 432748 (VCV000432748.7), dbSNP rs368174673, ClinGen allele CA5326828.
Genomic context (GRCh38, chr9:135,765,633, plus strand): 5'-GGGCGGGGCAGGGGCTGGCTCAGAGGGTCTGACCCTCCGCCTGGCCGGCAGGACTATTAC[G>A]TGGTCATCCTGTGCCCCACGGAGATGGATGTCCAGGTGCGCAGAGTCCTGCAGATCCCTC-3'
Protein context (NP_065873.2, residues 394-414): YAHPRLQDYY[Val404Met]VILCPTEMDV

ClinVar aggregate classification (germline): Uncertain significance. Review status: criteria provided, multiple submitters, no conflicts (2 of 4 stars). 2 submissions from 2 submitters: Uncertain significance (2). Last evaluated 2025-10-22.

Conditions:
Developmental and epileptic encephalopathy, 14 (DEE14). Also called: Early infantile epileptic encephalopathy 14. Identifiers: Orphanet 293181, MedGen C3554195, MONDO:0013989, OMIM 614959.
Autosomal dominant nocturnal frontal lobe epilepsy 5. Also called: CILIARY DYSKINESIA, PRIMARY, 28, WITH SITUS INVERSUS; Epilepsy, nocturnal frontal lobe, 5; CILIARY DYSKINESIA, PRIMARY, 28, WITHOUT SITUS INVERSUS; KCNT1-Related Epilepsy. Identifiers: Orphanet 98784, MedGen C3554306, MONDO:0014002, OMIM 615005.

Allele frequency attached by ClinVar (database versions not stated): gnomAD exomes 0.00001; TOPMed 0.00001; ExAC 0.00002; ESP Exome Variant Server 0.00008.
gnomAD v4.1: 17 of 1,610,168 alleles (0.0011%); highest among the groups gnomAD compares: Admixed American, 0.0033%; no homozygotes.

Submissions (2):

Labcorp Genetics (formerly Invitae), Labcorp
Classification: Uncertain significance for Autosomal dominant nocturnal frontal lobe epilepsy 5; Developmental and epileptic encephalopathy, 14. Last evaluated: 2025-10-22. Review status: criteria provided, single submitter. Criteria: Invitae Variant Classification Sherloc (09022015). Collection method: clinical testing. Allele origin: germline.
Comment: This sequence change replaces valine, which is neutral and non-polar, with methionine, which is neutral and non-polar, at codon 404 of the KCNT1 protein (p.Val404Met). This variant is present in population databases (rs368174673, gnomAD 0.009%). This variant has not been reported in the literature in individuals affected with KCNT1-related conditions. ClinVar contains an entry for this variant (Variation ID: 432748). Invitae Evidence Modeling of protein sequence and biophysical properties (such as structural, functional, and spatial information, amino acid conservation, physicochemical variation, residue mobility, and thermodynamic stability) has been performed for this missense variant. However, the output from this modeling did not meet the statistical confidence thresholds required to predict the impact of this variant on KCNT1 protein function. In summary, the available evidence is currently insufficient to determine the role of this variant in disease. Therefore, it has been classified as a Variant of Uncertain Significance.

GeneDx
Classification: Uncertain significance. Last evaluated: 2017-06-16. Review status: criteria provided, single submitter. Criteria: GeneDx Variant Classification (06012015). Collection method: clinical testing. Allele origin: germline. Affected: yes.
Comment: A variant of uncertain significance has been identified in the KCNT1 gene. The V404M variant has not been published as a pathogenic variant, nor has it been reported as a benign variant to our knowledge. The V404M variant is not observed at a significant frequency in large population cohorts (Lek et al., 2016; 1000 Genomes Consortium et al., 2015; Exome Variant Server). This substitution occurs at a position that is conserved across species and in silico analysis predicts this variant is probably damaging to the protein structure/function. Missense variants in nearby residues (R398Q and P409S) have been reported in Human Gene Mutation Database in association with KCNT1-related disorders (Stenson et al., 2014), supporting the functional importance of this region of the protein.. However, the V404M variant is a conservative amino acid substitution, which is not likely to impact secondary protein structure as these residues share similar properties.Therefore, based on the currently available information, it is unclear whether this variant is a pathogenic variant or a rare benign variant.